The following is an entry in ClinVar:

ClinVar aggregate classification (germline): Benign. Review status: criteria provided, multiple submitters, no conflicts (2 of 4 stars). 8 submissions from 7 submitters: Benign (8). Last evaluated 2026-02-04.

Conditions:
Autosomal dominant nonsyndromic hearing loss 4A. Also called: Deafness, autosomal dominant 4A. Identifiers: Orphanet 90635, MedGen C1833503, MONDO:0010915, OMIM 600652.
Peripheral neuropathy-myopathy-hoarseness-hearing loss syndrome. Identifiers: Orphanet 397744, MedGen C3280556, MONDO:0013711, OMIM 614369.

Allele frequency attached by ClinVar (database versions not stated): ExAC 0.44797; gnomAD exomes 0.45379 and 0.43781; gnomAD 0.45909 and 0.46235; TOPMed 0.46479; ESP Exome Variant Server 0.43545; 1000 Genomes Project 0.43910; 1000 Genomes Project 30x 0.44425.
gnomAD v4.1: 703,360 of 1,600,692 alleles (44%); highest among the groups gnomAD compares: Admixed American, 63%; 157,937 homozygotes.

Submissions (8):

Labcorp Genetics (formerly Invitae), Labcorp
Classification: Benign. Last evaluated: 2026-02-04. Review status: criteria provided, single submitter. Criteria: Invitae Variant Classification Sherloc (09022015). Collection method: clinical testing. Allele origin: germline.

Genome-Nilou Lab
Classification: Benign for Peripheral neuropathy-myopathy-hoarseness-hearing loss syndrome. Last evaluated: 2021-09-05. Review status: criteria provided, single submitter. Criteria: ACMG Guidelines, 2015. Collection method: clinical testing. Allele origin: germline. Affected: no.

Genome-Nilou Lab
Classification: Benign for Autosomal dominant nonsyndromic hearing loss 4A. Last evaluated: 2021-09-05. Review status: criteria provided, single submitter. Criteria: ACMG Guidelines, 2015. Collection method: clinical testing. Allele origin: germline. Affected: no.

GeneDx
Classification: Benign. Last evaluated: 2018-06-22. Review status: criteria provided, single submitter. Criteria: GeneDx Variant Classification Process June 2021. Collection method: clinical testing. Allele origin: germline. Affected: yes.

Illumina Laboratory Services, Illumina
Classification: Benign for Autosomal dominant nonsyndromic hearing loss 4A. Last evaluated: 2018-01-12. Review status: criteria provided, single submitter. Criteria: ICSL Variant Classification Criteria 13 December 2019. Collection method: clinical testing. Allele origin: germline.
Comment: This variant was observed in the ICSL laboratory as part of a predisposition screen in an ostensibly healthy population. It had not been previously curated by ICSL or reported in the Human Gene Mutation Database (HGMD: prior to June 1st, 2018), and was therefore a candidate for classification through an automated scoring system. Utilizing variant allele frequency, disease prevalence and penetrance estimates, and inheritance mode, an automated score was calculated to assess if this variant is too frequent to cause the disease. Based on the score and internal cut-off values, a variant classified as benign is not then subjected to further curation. The score for this variant resulted in a classification of benign for this disease.

Laboratory for Molecular Medicine, Mass General Brigham Personalized Medicine
Classification: Benign. Last evaluated: 2012-05-07. Review status: criteria provided, single submitter. Criteria: LMM Criteria. Collection method: clinical testing. Allele origin: germline. Observed: 996 variant alleles.
Comment: 2355-14C>T in Intron 19 of MYH14: This variant is not expected to have clinical significance because it has been identified in 45.9% (1652/3600) of African Amer ican chromosomes from a broad population by the NHLBI Exome Sequencing Project (dbSNP rs12981413).

Breakthrough Genomics
Classification: Benign. Review status: criteria provided, single submitter. Criteria: ACMG Guidelines, 2015. Collection method: not provided. Allele origin: germline. Inheritance: Autosomal dominant inheritance. Affected: yes.

PreventionGenetics, part of Exact Sciences
Classification: Benign. Review status: criteria provided, single submitter. Criteria: ACMG Guidelines, 2015. Collection method: clinical testing. Allele origin: germline.

NM_001145809.2(MYH14):c.2355-14C>T

Gene: MYH14 (myosin heavy chain 14; plus strand). Cytogenetic location: 19q13.33.
Variant type: single nucleotide variant.
Coding change: c.2355-14C>T on transcript NM_001145809.2 (MANE Select); 14 bases into the intron before coding-DNA position 2355, C replaced by T.
Molecular consequence: intron variant.
Genome position (GRCh38, 1-based): chr19:50,260,632, C>T. VCF-style: chr19-50260632-C-T. GRCh37 (hg19) VCF-style: chr19-50763889-C-T.
Other names: c.2256-14C>T (NM_001077186.2); c.2232-14C>T (NM_024729.4).
Identifiers: ClinVar variation 44057 (VCV000044057.24), dbSNP rs12981413, ClinGen allele CA133479.